The following is an entry in ClinVar:

ClinVar aggregate classification (germline): Uncertain significance (1 of 4 stars; one submission).

Submission:

Labcorp Genetics (formerly Invitae), Labcorp
Classification: Uncertain significance. Last evaluated: 2023-05-03. Review status: criteria provided, single submitter. Criteria: Invitae Variant Classification Sherloc (09022015). Collection method: clinical testing. Allele origin: germline.
Comment: This sequence change creates a premature translational stop signal (p.Glu1640*) in the COL4A1 gene. While this is not anticipated to result in nonsense mediated decay, it is expected to disrupt the last 30 amino acid(s) of the COL4A1 protein. This variant is not present in population databases (gnomAD no frequency). In summary, the available evidence is currently insufficient to determine the role of this variant in disease. Therefore, it has been classified as a Variant of Uncertain Significance. Experimental studies and prediction algorithms are not available or were not evaluated, and the functional significance of this variant is currently unknown. This variant has not been reported in the literature in individuals affected with COL4A1-related conditions.

NM_001845.6(COL4A1):c.4918G>T (p.Glu1640Ter)

Gene: COL4A1 (collagen type IV alpha 1 chain; minus strand). Cytogenetic location: 13q34.
Variant type: single nucleotide variant.
Coding change: c.4918G>T on transcript NM_001845.6 (MANE Select); coding-DNA position 4918, G replaced by T.
Protein change: p.Glu1640Ter; replaces glutamic acid 1640 with a stop codon.
Molecular consequence: nonsense.
Genome position (GRCh38, 1-based): chr13:110,152,344, C>A on the plus strand (G>T on the coding strand, the complement: COL4A1 is on the minus strand). VCF-style: chr13-110152344-C-A. GRCh37 (hg19) VCF-style: chr13-110804691-C-A.
Other names: short protein forms E1640*.
Identifiers: ClinVar variation 2859657 (VCV002859657.3), dbSNP rs753360259, ClinGen allele CA388654051.